The following is an entry in ClinVar:

ClinVar aggregate classification (germline): Uncertain significance (1 of 4 stars; one submission).

Conditions:
Methylcobalamin deficiency type cblG (HMAG). Also called: HOMOCYSTINURIA-MEGALOBLASTIC ANEMIA, cblG COMPLEMENTATION TYPE; Functional methionine synthase deficiency type cblG; HOMOCYSTINURIA-MEGALOBLASTIC ANEMIA, cblG TYPE; HOMOCYSTINURIA-MEGALOBLASTIC ANEMIA DUE TO DEFECT IN COBALAMIN METABOLISM, cblG COMPLEMENTATION TYPE. Identifiers: Orphanet 2170, Orphanet 622, MedGen C1855128, MONDO:0009609, OMIM 250940.

gnomAD v4.1: 2 of 1,613,850 alleles (0.00012%); highest among the groups gnomAD compares: Non-Finnish European, 0.000085%; no homozygotes.

Submission:

Labcorp Genetics (formerly Invitae), Labcorp
Classification: Uncertain significance for Methylcobalamin deficiency type cblG. Last evaluated: 2025-11-23. Review status: criteria provided, single submitter. Criteria: Invitae Variant Classification Sherloc (09022015). Collection method: clinical testing. Allele origin: germline.
Comment: This sequence change falls in intron 1 of the MTR gene. It does not directly change the encoded amino acid sequence of the MTR protein. It affects a nucleotide within the consensus splice site. This variant is not present in population databases (gnomAD no frequency). This variant has not been reported in the literature in individuals affected with MTR-related conditions. Variants that disrupt the consensus splice site are a relatively common cause of aberrant splicing (PMID: 17576681, 9536098). Algorithms developed to predict the effect of sequence changes on RNA splicing suggest that this variant is not likely to affect RNA splicing. In summary, the available evidence is currently insufficient to determine the role of this variant in disease. Therefore, it has been classified as a Variant of Uncertain Significance.

Literature cited by the submitters: PubMed 17576681; PubMed 9536098.

NM_000254.3(MTR):c.35-3A>C

Gene: MTR (5-methyltetrahydrofolate-homocysteine methyltransferase; plus strand). Cytogenetic location: 1q43.
Variant type: single nucleotide variant.
Coding change: c.35-3A>C on transcript NM_000254.3 (MANE Select); 3 bases into the intron before coding-DNA position 35, A replaced by C.
Molecular consequence: intron variant.
Genome position (GRCh38, 1-based): chr1:236,803,425, A>C. VCF-style: chr1-236803425-A-C. GRCh37 (hg19) VCF-style: chr1-236966725-A-C.
Other names: c.35-3A>C (NM_001291939.1, NM_001410942.1); c.-1074-3A>C (NM_001291940.2).
Identifiers: ClinVar variation 4702517 (VCV004702517.1).
Genomic context (GRCh38, chr1:236,803,425, plus strand): 5'-TCCTCCCTCACACATCTTTTTCACCTTTCATTCTTTGAAGTCAAACTTTCACTTTCTTTA[A>C]AGAAGGTCTGAAGAAAACCCTGCGGGATGAGATCAATGCCATTCTGCAGAAGAGGATTAT-3'